The following continues an entry in ClinVar:

NM_206933.4(USH2A):c.949C>A (p.Arg317=)

Gene: USH2A. ClinVar aggregate classification (germline): Pathogenic. Pathogenic (21).

Submissions 18 to 26 of 26:

Centre for Mendelian Genomics, University Medical Centre Ljubljana
Classification: Pathogenic for Abnormal macular morphology; Blindness; Retinal pigment epithelial atrophy; Pigmentary retinopathy; Rod-cone dystrophy. Last evaluated: 2017-01-01. Review status: criteria provided, single submitter. Criteria: ACMG Guidelines, 2015. Collection method: clinical testing. Allele origin: unknown. Affected: yes.

Eurofins Ntd Llc (ga)
Classification: Pathogenic. Last evaluated: 2016-04-01. Review status: criteria provided, single submitter. Criteria: EGL Classification Definitions 2015. Collection method: clinical testing. Allele origin: germline. Observed: 2 variant alleles, 2 heterozygotes.

Centre for Mendelian Genomics, University Medical Centre Ljubljana
Classification: Pathogenic for Usher syndrome type 2A. Last evaluated: 2016-01-01. Review status: criteria provided, single submitter. Criteria: ACMG Guidelines, 2015. Collection method: clinical testing. Allele origin: unknown. Affected: yes.
Comment: This variant was classified as: Pathogenic.

Laboratory for Molecular Medicine, Mass General Brigham Personalized Medicine
Classification: Pathogenic for Rare genetic deafness. Last evaluated: 2012-11-19. Review status: criteria provided, single submitter. Criteria: LMM Criteria. Collection method: clinical testing. Allele origin: germline. Inheritance: Autosomal recessive inheritance. Observed: 4 variant alleles.
Comment: The p.Arg317Arg (NM_206933.2 c.949C>A) variant in USH2A has been reported in 9 i ndividuals with Usher syndrome (Pennings 2004, Seyedahmadi 2004, Cremers 2007, D reyer 2008, Vache 2010, Bonnet 2011). A second variant in USH2A was found in tr ans in at least 3 of these individuals (Pennings 2004, Vache 2010, Bonnet 2011). This variant has also been reported in ClinVar (Variation ID#2358) as pathogeni c. mRNA studies show that this variant leads to abnormal splicing and a frameshi ft (Vache 2010). This variant has been identified in (8/126206) of European chro mosomes by the Genome Aggregation Database (gnomAD .org; dbSNP rs111033272). Although this variant has been seen in the general pop ulation, its frequency is low enough to be consistent with a recessive carrier f requency. In summary, this variant meets criteria to be classified as pathogenic for Usher syndrome in an autosomal recessive manner based upon functional evide nce and its occurrence in individuals with this disease. ACMG/AMP Criteria appli ed: PVS1, PM2, PM3, PP5.

Counsyl
Classification: Likely pathogenic for Usher syndrome type 2A. Last evaluated: 2019-01-24. Review status: no assertion criteria provided. Collection method: clinical testing. Allele origin: unknown. Not counted in ClinVar's aggregate classification.

Counsyl
Classification: Likely pathogenic for Retinitis pigmentosa 39. Last evaluated: 2019-01-24. Review status: no assertion criteria provided. Collection method: clinical testing. Allele origin: unknown. Not counted in ClinVar's aggregate classification.

OMIM
Classification: Pathogenic for USHER SYNDROME, TYPE IIA. Last evaluated: 2004-04-01. Review status: no assertion criteria provided. Collection method: literature only. Allele origin: germline. Not counted in ClinVar's aggregate classification.

Clinical Genetics, Academic Medical Center
Classification: Likely pathogenic. Review status: no assertion criteria provided. Collection method: clinical testing. Allele origin: germline. Affected: yes. Study: VKGL Data-share Consensus. Not counted in ClinVar's aggregate classification.

Joint Genome Diagnostic Labs from Nijmegen and Maastricht, Radboudumc and MUMC+
Classification: Likely pathogenic. Review status: no assertion criteria provided. Collection method: clinical testing. Allele origin: germline. Affected: yes. Study: VKGL Data-share Consensus. Not counted in ClinVar's aggregate classification.

Literature cited by the submitters: PubMed 28944237 (cited by Natera, Inc.); PubMed 15241801 (cited by 6 submitters); PubMed 20513143 (cited by 4 submitters); PubMed 21569298 (cited by Labcorp Genetics (formerly Invitae), Labcorp and Laboratory for Molecular Medicine, Mass General Brigham Personalized Medicine); PubMed 26927203 (cited by 4 submitters); PubMed 27460420 (cited by Equipe Genetique des Anomalies du Developpement, Université de Bourgogne and Counsyl); PubMed 30609409 (cited by Institute of Human Genetics, Univ. Regensburg, Univ. Regensburg); PubMed 31877679 (cited by Institute of Human Genetics, Univ. Regensburg, Univ. Regensburg); PubMed 31964843 (cited by Institute of Human Genetics, Univ. Regensburg, Univ. Regensburg); PubMed 31429209 (cited by Institute of Human Genetics, Univ. Regensburg, Univ. Regensburg); PubMed 32566994 (cited by Institute of Human Genetics, Univ. Regensburg, Univ. Regensburg); PubMed 32531858 (cited by Institute of Human Genetics, Univ. Regensburg, Univ. Regensburg); PubMed 33360097 (cited by Institute of Human Genetics, Univ. Regensburg, Univ. Regensburg); PubMed 34948090 (cited by Institute of Human Genetics, Univ. Regensburg, Univ. Regensburg); PubMed 33749171 (cited by Institute of Human Genetics, Univ. Regensburg, Univ. Regensburg); PubMed 35266249 (cited by Institute of Human Genetics, Univ. Regensburg, Univ. Regensburg); PubMed 36460718 (cited by Institute of Human Genetics, Univ. Regensburg, Univ. Regensburg); PubMed 36819107 (cited by Institute of Human Genetics, Univ. Regensburg, Univ. Regensburg); PubMed 24944099 (cited by Eurofins Ntd Llc (ga) and Counsyl); PubMed 25575603 (cited by Eurofins Ntd Llc (ga) and Counsyl); PubMed 15015129 (cited by 3 submitters); PubMed 15043528 (cited by Laboratory for Molecular Medicine, Mass General Brigham Personalized Medicine); PubMed 15325563 (cited by Laboratory for Molecular Medicine, Mass General Brigham Personalized Medicine and Counsyl); PubMed 18273898 (cited by Laboratory for Molecular Medicine, Mass General Brigham Personalized Medicine and Counsyl); PubMed 16963483 (cited by Laboratory for Molecular Medicine, Mass General Brigham Personalized Medicine); PubMed 24498627 (cited by Counsyl).